The following is an entry in ClinVar:

ClinVar aggregate classification (germline): Uncertain significance. Review status: criteria provided, multiple submitters, no conflicts (2 of 4 stars). 2 submissions from 2 submitters: Uncertain significance (2). Last evaluated 2022-02-09.

Conditions:
KBG syndrome (KBGS). Also called: ANKRD11-Related KBG Syndrome. Identifiers: Orphanet 2332, MedGen C0220687, MONDO:0007846, OMIM 148050.

gnomAD v4.1: 5 of 1,613,508 alleles (0.00031%); highest among the groups gnomAD compares: Admixed American, 0.0033%; no homozygotes.

Submissions (2):

Department of Pathology and Laboratory Medicine, Sinai Health System
Classification: Uncertain significance for KBG syndrome. Last evaluated: 2022-02-09. Review status: criteria provided, single submitter. Criteria: ACMG Guidelines, 2015. Collection method: research. Allele origin: germline.

GeneDx
Classification: Uncertain significance. Last evaluated: 2021-10-18. Review status: criteria provided, single submitter. Criteria: GeneDx Variant Classification Process June 2021. Collection method: clinical testing. Allele origin: germline. Affected: yes.
Comment: Not observed at significant frequency in large population cohorts (Lek et al., 2016); In silico analysis supports that this missense variant does not alter protein structure/function; Has not been previously published as pathogenic or benign to our knowledge

NM_013275.6(ANKRD11):c.1419C>A (p.Ser473Arg)

Gene: ANKRD11 (ankyrin repeat domain 11; minus strand). Cytogenetic location: 16q24.3.
Variant type: single nucleotide variant.
Coding change: c.1419C>A on transcript NM_013275.6 (MANE Select); coding-DNA position 1419, C replaced by A.
Protein change: p.Ser473Arg; replaces serine 473 with arginine.
Molecular consequence: missense variant.
Genome position (GRCh38, 1-based): chr16:89,285,123, G>T on the plus strand (C>A on the coding strand, the complement: ANKRD11 is on the minus strand). VCF-style: chr16-89285123-G-T. GRCh37 (hg19) VCF-style: chr16-89351531-G-T.
Other names: c.1419C>A, p.Ser473Arg (NM_001256182.2, NM_001256183.2); short protein forms S473R.
Identifiers: ClinVar variation 1313708 (VCV001313708.3), dbSNP rs200455505, ClinGen allele CA8242779.